The following is an entry in ClinVar:

ClinVar aggregate classification (germline): Uncertain significance (1 of 4 stars; one submission).

Conditions:
Hereditary cancer-predisposing syndrome. Also called: Neoplastic Syndromes, Hereditary; Tumor predisposition; Hereditary Cancer Syndrome; Hereditary neoplastic syndrome. Identifiers: Orphanet 140162, MedGen C0027672, MeSH D009386, MONDO:0015356.

Submission:

Ambry Genetics
Classification: Uncertain significance for Hereditary cancer-predisposing syndrome. Last evaluated: 2023-11-01. Review status: criteria provided, single submitter. Criteria: Ambry Variant Classification Scheme 2023. Collection method: clinical testing. Allele origin: germline.
Comment: The p.S228R variant (also known as c.684T>A) is located in coding exon 5 of the CHEK2 gene. The serine at codon 228 is replaced by arginine, an amino acid with dissimilar properties. This change occurs in the first base pair of coding exon 5. This amino acid position is conserved. In addition, this alteration is predicted to be tolerated by in silico analysis. Since supporting evidence is limited at this time, the clinical significance of this alteration remains unclear.

NM_007194.4(CHEK2):c.684T>A (p.Ser228Arg)

Gene: CHEK2 (checkpoint kinase 2; minus strand). Cytogenetic location: 22q12.1.
Variant type: single nucleotide variant.
Coding change: c.684T>A on transcript NM_007194.4 (MANE Select); coding-DNA position 684, T replaced by A.
Protein change: p.Ser228Arg; replaces serine 228 with arginine.
Molecular consequence: missense variant.
Genome position (GRCh38, 1-based): chr22:28,712,017, A>T on the plus strand (T>A on the coding strand, the complement: CHEK2 is on the minus strand). VCF-style: chr22-28712017-A-T. GRCh37 (hg19) VCF-style: chr22-29108005-A-T.
Other names: c.483T>A, p.Asn161Lys (NM_001349956.3); c.684T>A, p.Ser228Arg (NM_145862.3); c.813T>A, p.Ser271Arg (NM_001005735.3); c.21T>A, p.Ser7Arg (NM_001257387.3); short protein forms N161K, S7R, S271R, S228R.
Identifiers: ClinVar variation 1755789 (VCV001755789.2), dbSNP rs587781283, ClinGen allele CA411103522.